The following is an entry in ClinVar:

NM_201384.3(PLEC):c.10731C>T (p.Gly3577=)

Gene: PLEC (plectin; minus strand). Cytogenetic location: 8q24.3.
Variant type: single nucleotide variant.
Coding change: c.10731C>T on transcript NM_201384.3 (MANE Select); coding-DNA position 10731, C replaced by T.
Protein change: p.Gly3577=; no amino-acid change (glycine 3577 retained).
Molecular consequence: synonymous variant.
Genome position (GRCh38, 1-based): chr8:143,919,090, G>A on the plus strand (C>T on the coding strand, the complement: PLEC is on the minus strand). VCF-style: chr8-143919090-G-A. GRCh37 (hg19) VCF-style: chr8-144993258-G-A.
Other names: c.10812C>T, p.Gly3604= (NM_000445.5); c.10689C>T, p.Gly3563= (NM_201378.4); c.10665C>T, p.Gly3555= (NM_201379.3); c.11142C>T, p.Gly3714= (NM_201380.4); c.10635C>T, p.Gly3545= (NM_201381.3); c.10731C>T, p.Gly3577= (NM_201382.4); c.10743C>T, p.Gly3581= (NM_201383.3); c.10812C>T (NM_000445.3).
Identifiers: ClinVar variation 487240 (VCV000487240.35), dbSNP rs782672000, ClinGen allele CA4924549.
Genomic context (GRCh38, chr8:143,919,090, plus strand): 5'-GGGGATCAGGTCCGACTGCATCACCTCCCACAGGGACATGGTGGAGCCGCCGTGGCTGCC[G>A]CCGCCGGGAATGTCGATCTGTGTCTCTTCAAATGCCCTTCTTGTCTCCTCCTCAGTGTAC-3'
Protein context (NP_958786.1, residues 3567-3587): FEETQIDIPG[Gly3577=]GSHGGSTMSL

ClinVar aggregate classification (germline): Likely benign. Review status: criteria provided, multiple submitters, no conflicts (2 of 4 stars). 4 submissions from 4 submitters: Likely benign (3). 1 of the submissions does not count toward it. Last evaluated 2025-12-06.

Conditions:
Epidermolysis bullosa simplex 5C, with pyloric atresia (EBS5C). Also called: PLEC-Related Epidermolysis Bullosa with Pyloric Atresia; Epidermolysis bullosa simplex with pyloric atresia; PLEC1-Related Epidermolysis Bullosa with Pyloric Atresia. Identifiers: Orphanet 158684, MedGen C2677349, MONDO:0012807, OMIM 612138.
Epidermolysis bullosa simplex 5B, with muscular dystrophy (EBS5B). Also called: EPIDERMOLYSIS BULLOSA SIMPLEX AND LIMB-GIRDLE MUSCULAR DYSTROPHY; Epidermolysis bullosa simplex with muscular dystrophy. Identifiers: Orphanet 257, MedGen C2931072, MONDO:0009181, OMIM 226670.
Autosomal recessive limb-girdle muscular dystrophy type 2Q (LGMDR17). Also called: MUSCULAR DYSTROPHY, LIMB-GIRDLE, AUTOSOMAL RECESSIVE 17. Identifiers: Orphanet 254361, MedGen C3150989, MONDO:0013390, OMIM 613723.
Epidermolysis bullosa simplex with nail dystrophy (EBS5D). Identifiers: MedGen C4225309, MONDO:0014661, OMIM 616487.
Epidermolysis bullosa simplex, Ogna type (EBS5A). Also called: Pidermolysis bullosa simplex 5A, Ogna type; EPIDERMOLYSIS BULLOSA SIMPLEX 5A, OGNA TYPE. Identifiers: Orphanet 79401, MedGen C0432317, MONDO:0007555, OMIM 131950.
Inborn genetic diseases. Identifiers: MedGen C0950123, MeSH D030342.
PLEC-related disorder. Also called: PLEC-related disorders; PLEC-related condition.

Allele frequency attached by ClinVar (database versions not stated): ExAC 0.00008; TOPMed 0.00008; gnomAD exomes 0.00009; gnomAD 0.00012; 1000 Genomes Project 30x 0.00016.
gnomAD v4.1: 147 of 1,611,642 alleles (0.0091%); highest among the groups gnomAD compares: Non-Finnish European, 0.011%; no homozygotes.

Submissions (4):

Labcorp Genetics (formerly Invitae), Labcorp
Classification: Likely benign for Autosomal recessive limb-girdle muscular dystrophy type 2Q; Epidermolysis bullosa simplex, Ogna type; Epidermolysis bullosa simplex with nail dystrophy; Epidermolysis bullosa simplex 5C, with pyloric atresia; Epidermolysis bullosa simplex 5B, with muscular dystrophy. Last evaluated: 2025-12-06. Review status: criteria provided, single submitter. Criteria: Invitae Variant Classification Sherloc (09022015). Collection method: clinical testing. Allele origin: germline.

Ambry Genetics
Classification: Likely benign for Inborn genetic diseases. Last evaluated: 2024-06-10. Review status: criteria provided, single submitter. Criteria: Ambry Variant Classification Scheme 2023. Collection method: clinical testing. Allele origin: germline.

CeGaT Center for Human Genetics Tuebingen
Classification: Likely benign. Last evaluated: 2022-03-01. Review status: criteria provided, single submitter. Criteria: CeGaT Center For Human Genetics Tuebingen Variant Classification Criteria Version 2. Collection method: clinical testing. Allele origin: germline. Affected: yes. Observed: 1 variant allele.
Comment: PLEC: BP4, BP7

PreventionGenetics, part of Exact Sciences
Classification: Likely benign for PLEC-related condition. Last evaluated: 2019-08-02. Review status: no assertion criteria provided. Collection method: clinical testing. Allele origin: germline. Not counted in ClinVar's aggregate classification.
Comment: This variant is classified as likely benign based on ACMG/AMP sequence variant interpretation guidelines (Richards et al. 2015 PMID: 25741868, with internal and published modifications).